The following is an entry in ClinVar:

NM_000553.6(WRN):c.610C>T (p.Pro204Ser)

Gene: WRN (WRN RecQ like helicase; plus strand). Cytogenetic location: 8p12.
Variant type: single nucleotide variant.
Coding change: c.610C>T on transcript NM_000553.6 (MANE Select); coding-DNA position 610, C replaced by T.
Protein change: p.Pro204Ser; replaces proline 204 with serine.
Molecular consequence: missense variant.
Genome position (GRCh38, 1-based): chr8:31,067,138, C>T. VCF-style: chr8-31067138-C-T. GRCh37 (hg19) VCF-style: chr8-30924654-C-T.
Other names: short protein forms P204S.
Identifiers: ClinVar variation 840802 (VCV000840802.7), dbSNP rs199644081, ClinGen allele CA4704110.

ClinVar aggregate classification (germline): Uncertain significance. Review status: criteria provided, multiple submitters, no conflicts (2 of 4 stars). 2 submissions from 2 submitters: Uncertain significance (2). Last evaluated 2025-06-01.

Conditions:
Werner syndrome (WRN). Identifiers: Orphanet 902, MedGen C0043119, MONDO:0010196, OMIM 277700.

Allele frequency attached by ClinVar (database versions not stated): gnomAD 0.00001; gnomAD exomes 0.00001 and 0.00002; TOPMed 0.00001; ExAC 0.00002; 1000 Genomes Project 0.00020; 1000 Genomes Project 30x 0.00031.
gnomAD v4.1: 12 of 1,613,900 alleles (0.00074%); highest among the groups gnomAD compares: East Asian, 0.025%; no homozygotes.

Submissions (2):

Labcorp Genetics (formerly Invitae), Labcorp
Classification: Uncertain significance for Werner syndrome. Last evaluated: 2025-06-01. Review status: criteria provided, single submitter. Criteria: Invitae Variant Classification Sherloc (09022015). Collection method: clinical testing. Allele origin: germline.
Comment: This sequence change replaces proline, which is neutral and non-polar, with serine, which is neutral and polar, at codon 204 of the WRN protein (p.Pro204Ser). This variant is present in population databases (rs199644081, gnomAD 0.02%). This variant has not been reported in the literature in individuals affected with WRN-related conditions. ClinVar contains an entry for this variant (Variation ID: 840802). An algorithm developed to predict the effect of missense changes on protein structure and function (PolyPhen-2) suggests that this variant is likely to be disruptive. In summary, the available evidence is currently insufficient to determine the role of this variant in disease. Therefore, it has been classified as a Variant of Uncertain Significance.

Department of Pathology and Laboratory Medicine, Sinai Health System
Classification: Uncertain significance for Werner syndrome. Last evaluated: 2020-08-17. Review status: criteria provided, single submitter. Criteria: ACMG Guidelines, 2015. Collection method: research. Allele origin: germline.